The following is an entry in ClinVar:

ClinVar aggregate classification (germline): Uncertain significance (1 of 4 stars; one submission).

Submission:

GeneDx
Classification: Uncertain significance. Last evaluated: 2023-07-21. Review status: criteria provided, single submitter. Criteria: GeneDx Variant Classification Process June 2021. Collection method: clinical testing. Allele origin: germline. Affected: yes.
Comment: Not observed at significant frequency in large population cohorts (gnomAD); In silico analysis supports that this missense variant has a deleterious effect on protein structure/function; Has not been previously published as pathogenic or benign to our knowledge

NM_205861.3(DHDDS):c.750C>G (p.Asn250Lys)

Gene: DHDDS (dehydrodolichyl diphosphate synthase subunit; plus strand). Cytogenetic location: 1p36.11.
Variant type: single nucleotide variant.
Coding change: c.750C>G on transcript NM_205861.3 (MANE Select); coding-DNA position 750, C replaced by G.
Protein change: p.Asn250Lys; replaces asparagine 250 with lysine.
Molecular consequence: missense variant.
Genome position (GRCh38, 1-based): chr1:26,460,129, C>G. VCF-style: chr1-26460129-C-G. GRCh37 (hg19) VCF-style: chr1-26786620-C-G.
Other names: c.648C>G, p.Asn216Lys (NM_001243564.2); c.633C>G, p.Asn211Lys (NM_001243565.2); c.471C>G, p.Asn157Lys (NM_001319959.2); c.750C>G, p.Asn250Lys (NM_024887.4); short protein forms N157K, N211K, N216K, N250K.
Identifiers: ClinVar variation 3361226 (VCV003361226.1).
Genomic context (GRCh38, chr1:26,460,129, plus strand): 5'-TCTGTGGCCAGAGTATACATTTTGGAACCTCTTCGAGGCCATCCTGCAGTTCCAGATGAA[C>G]CATAGCGTGCTTCAGGTAAGAAAGAGTTCAGGGCTGGCCAGATGGGATGGGATGGAAGAA-3'
Protein context (NP_995583.1, residues 240-260): LFEAILQFQM[Asn250Lys]HSVLQKARDM